The following is an entry in ClinVar:

NM_021813.4(BACH2):c.931C>G (p.Arg311Gly)

Gene: BACH2 (BACH transcriptional regulator 2; minus strand). Cytogenetic location: 6q15.
Variant type: single nucleotide variant.
Coding change: c.931C>G on transcript NM_021813.4 (MANE Select); coding-DNA position 931, C replaced by G.
Protein change: p.Arg311Gly; replaces arginine 311 with glycine.
Molecular consequence: missense variant.
Genome position (GRCh38, 1-based): chr6:89,951,175, G>C on the plus strand (C>G on the coding strand, the complement: BACH2 is on the minus strand). VCF-style: chr6-89951175-G-C. GRCh37 (hg19) VCF-style: chr6-90660894-G-C.
Other names: c.931C>G, p.Arg311Gly (NM_001170794.2); short protein forms R311G.
Identifiers: ClinVar variation 1404145 (VCV001404145.8), dbSNP rs148083597, ClinGen allele CA365071913.
Genomic context (GRCh38, chr6:89,951,175, plus strand): 5'-TCTCCAGGCAGGCGGCCCCAGCTGGGGCCGTGGGGGTAGGGGCAGGGCTGGGCTGTTTCC[G>C]GTCCATCTCGACATCCCCCGCTCTGTCCTTGGCGTCAGGCTCATCTCCAGACAGGCAGAG-3'
Protein context (NP_068585.1, residues 301-321): KDRAGDVEMD[Arg311Gly]KQPSPAPTPT

ClinVar aggregate classification (germline): Uncertain significance (1 of 4 stars; one submission).

gnomAD v4.1: 1 of 1,613,592 alleles (0.000062%); highest among the groups gnomAD compares: Non-Finnish European, 0.000085%; no homozygotes.

Submission:

Labcorp Genetics (formerly Invitae), Labcorp
Classification: Uncertain significance. Last evaluated: 2021-07-03. Review status: criteria provided, single submitter. Criteria: Invitae Variant Classification Sherloc (09022015). Collection method: clinical testing. Allele origin: germline.
Comment: This sequence change replaces arginine with glycine at codon 311 of the BACH2 protein (p.Arg311Gly). The arginine residue is moderately conserved and there is a moderate physicochemical difference between arginine and glycine. This variant is not present in population databases (ExAC no frequency). This variant has not been reported in the literature in individuals affected with BACH2-related conditions. Algorithms developed to predict the effect of missense changes on protein structure and function are either unavailable or do not agree on the potential impact of this missense change (SIFT: "Deleterious"; PolyPhen-2: "Benign"; Align-GVGD: "Class C0"). In summary, the available evidence is currently insufficient to determine the role of this variant in disease. Therefore, it has been classified as a Variant of Uncertain Significance.